The following is an entry in ClinVar:

NM_002381.5(MATN3):c.185C>T (p.Ala62Val)

Gene: MATN3 (matrilin 3; minus strand). Cytogenetic location: 2p24.1.
Variant type: single nucleotide variant.
Coding change: c.185C>T on transcript NM_002381.5 (MANE Select); coding-DNA position 185, C replaced by T.
Protein change: p.Ala62Val; replaces alanine 62 with valine.
Molecular consequence: missense variant.
Genome position (GRCh38, 1-based): chr2:20,012,447, G>A on the plus strand (C>T on the coding strand, the complement: MATN3 is on the minus strand). VCF-style: chr2-20012447-G-A. GRCh37 (hg19) VCF-style: chr2-20212208-G-A.
Other names: short protein forms A62V.
Identifiers: ClinVar variation 898674 (VCV000898674.40), dbSNP rs920755164, ClinGen allele CA43407950.
Genomic context (GRCh38, chr2:20,012,447, plus strand): 5'-CCCTCCCGCCGCCCGCCTGTACCTGCACCGCGGGCGCGGCCAGGCTCGCTGGTCCCGGAA[G>A]CGGGCGCGCCGTCGGGAGCCGCAGGAGAGGGGCGGCGTCCAGGGCTGCCCCCGGGACCTC-3'
Protein context (NP_002372.1, residues 52-72): PSPAAPDGAP[Ala62Val]SGTSEPGRAR

ClinVar aggregate classification (germline): Uncertain significance. Review status: criteria provided, multiple submitters, no conflicts (2 of 4 stars). 3 submissions from 3 submitters: Uncertain significance (3). Last evaluated 2024-01-06.

Conditions:
Multiple epiphyseal dysplasia type 5 (EDM5). Also called: MATN3-Related Multiple Epiphyseal Dysplasia; Microepiphyseal dysplasia, bilateral hereditary. Identifiers: Orphanet 93311, MedGen C1846843, MONDO:0011765, OMIM 607078.

Allele frequency attached by ClinVar (database versions not stated): TOPMed 0.00012; gnomAD 0.00016; gnomAD exomes 0.00023.
gnomAD v4.1: 272 of 1,229,490 alleles (0.022%); highest among the groups gnomAD compares: Middle Eastern, 0.031%; no homozygotes.

Submissions (3):

Labcorp Genetics (formerly Invitae), Labcorp
Classification: Uncertain significance. Last evaluated: 2024-01-06. Review status: criteria provided, single submitter. Criteria: Invitae Variant Classification Sherloc (09022015). Collection method: clinical testing. Allele origin: germline.
Comment: This sequence change replaces alanine, which is neutral and non-polar, with valine, which is neutral and non-polar, at codon 62 of the MATN3 protein (p.Ala62Val). This variant is present in population databases (no rsID available, gnomAD 0.02%). This variant has not been reported in the literature in individuals affected with MATN3-related conditions. ClinVar contains an entry for this variant (Variation ID: 898674). An algorithm developed to predict the effect of missense changes on protein structure and function (PolyPhen-2) suggests that this variant¬†is likely to be tolerated. In summary, the available evidence is currently insufficient to determine the role of this variant in disease. Therefore, it has been classified as a Variant of Uncertain Significance.

CeGaT Center for Human Genetics Tuebingen
Classification: Uncertain significance. Last evaluated: 2021-11-01. Review status: criteria provided, single submitter. Criteria: CeGaT Center For Human Genetics Tuebingen Variant Classification Criteria Version 2. Collection method: clinical testing. Allele origin: germline. Affected: yes. Observed: 1 variant allele.

Illumina Laboratory Services, Illumina
Classification: Uncertain significance for Multiple epiphyseal dysplasia type 5. Last evaluated: 2018-01-13. Review status: criteria provided, single submitter. Criteria: ICSL Variant Classification Criteria 13 December 2019. Collection method: clinical testing. Allele origin: germline.